The following is an entry in ClinVar:

ClinVar aggregate classification (germline): Uncertain significance (1 of 4 stars; one submission).

Allele frequency attached by ClinVar (database versions not stated): gnomAD 0.00001; gnomAD exomes 0.00001; TOPMed 0.00004.
gnomAD v4.1: 8 of 1,614,058 alleles (0.0005%); highest among the groups gnomAD compares: Non-Finnish European, 0.00068%; no homozygotes.

Submission:

Labcorp Genetics (formerly Invitae), Labcorp
Classification: Uncertain significance. Last evaluated: 2022-09-01. Review status: criteria provided, single submitter. Criteria: Invitae Variant Classification Sherloc (09022015). Collection method: clinical testing. Allele origin: germline.
Comment: This sequence change replaces serine, which is neutral and polar, with alanine, which is neutral and non-polar, at codon 1258 of the SON protein (p.Ser1258Ala). This variant is present in population databases (rs200905064, gnomAD 0.0009%). This variant has not been reported in the literature in individuals affected with SON-related conditions. Algorithms developed to predict the effect of missense changes on protein structure and function are either unavailable or do not agree on the potential impact of this missense change (SIFT: "Deleterious"; PolyPhen-2: "Benign"; Align-GVGD: "Class C0"). In summary, the available evidence is currently insufficient to determine the role of this variant in disease. Therefore, it has been classified as a Variant of Uncertain Significance.

NM_138927.4(SON):c.3772T>G (p.Ser1258Ala)

Gene: SON (SON DNA and RNA binding protein; plus strand). Cytogenetic location: 21q22.11.
Variant type: single nucleotide variant.
Coding change: c.3772T>G on transcript NM_138927.4 (MANE Select); coding-DNA position 3772, T replaced by G.
Protein change: p.Ser1258Ala; replaces serine 1258 with alanine.
Molecular consequence: missense variant. On other transcripts: non-coding transcript variant (1), intron variant (1).
Genome position (GRCh38, 1-based): chr21:33,553,003, T>G. VCF-style: chr21-33553003-T-G. GRCh37 (hg19) VCF-style: chr21-34925309-T-G.
Other names: c.3772T>G, p.Ser1258Ala (NM_001291411.2, NM_001412133.1, NM_032195.3 and 2 more transcripts); c.245-4153T>G (NM_001291412.3); short protein forms S1258A.
Identifiers: ClinVar variation 1945193 (VCV001945193.2), dbSNP rs200905064, ClinGen allele CA320152633.